The following is an entry in ClinVar:

NM_001903.5(CTNNA1):c.838T>C (p.Tyr280His)

Gene: CTNNA1 (catenin alpha 1; plus strand). Cytogenetic location: 5q31.2.
Variant type: single nucleotide variant.
Coding change: c.838T>C on transcript NM_001903.5 (MANE Select); coding-DNA position 838, T replaced by C.
Protein change: p.Tyr280His; replaces tyrosine 280 with histidine.
Molecular consequence: missense variant.
Genome position (GRCh38, 1-based): chr5:138,824,779, T>C. VCF-style: chr5-138824779-T-C. GRCh37 (hg19) VCF-style: chr5-138160468-T-C.
Other names: c.838T>C, p.Tyr280His (NM_001290307.3, NM_001323982.2, NM_001323983.1 and 3 more transcripts); c.529T>C, p.Tyr177His (NM_001290309.3); c.469T>C, p.Tyr157His (NM_001290310.3); short protein forms Y177H, Y157H, Y280H.
Identifiers: ClinVar variation 654435 (VCV000654435.14), dbSNP rs890236162, ClinGen allele CA128229183.

ClinVar aggregate classification (germline): Uncertain significance. Review status: criteria provided, multiple submitters, no conflicts (2 of 4 stars). 3 submissions from 3 submitters: Uncertain significance (3). Last evaluated 2026-02-24.

Conditions:
Hereditary cancer-predisposing syndrome. Also called: Hereditary Cancer Syndrome; Hereditary neoplastic syndrome; Tumor predisposition; Neoplastic Syndromes, Hereditary. Identifiers: Orphanet 140162, MedGen C0027672, MeSH D009386, MONDO:0015356.

Allele frequency attached by ClinVar (database versions not stated): gnomAD exomes 0.00001 and below 0.00001; TOPMed below 0.00001.
gnomAD v4.1: 11 of 1,613,984 alleles (0.00068%); highest among the groups gnomAD compares: Non-Finnish European, 0.00085%; no homozygotes.

Submissions (3):

Ambry Genetics
Classification: Uncertain significance for Hereditary cancer-predisposing syndrome. Last evaluated: 2026-02-24. Review status: criteria provided, single submitter. Criteria: Ambry Variant Classification Scheme 2023. Collection method: clinical testing. Allele origin: germline.

Dasa
Classification: Uncertain significance. Last evaluated: 2025-11-12. Review status: criteria provided, single submitter. Criteria: DASA Assertion Criteria. Collection method: clinical testing. Allele origin: germline.
Comment: NM_001903.5(CTNNA1):c.838T>C (p.Tyr280His) is a missense variant that results in the substitution of tyrosine with histidine. This variant is rare in population databases. Computational prediction algorithms are consistent with a benign effect. The currently available literature and clinical evidence are not sufficient to establish a definitive association between this variant and the reported condition. Therefore, this variant is classified as a variant of uncertain significance.

Labcorp Genetics (formerly Invitae), Labcorp
Classification: Uncertain significance. Last evaluated: 2025-08-19. Review status: criteria provided, single submitter. Criteria: Invitae Variant Classification Sherloc (09022015). Collection method: clinical testing. Allele origin: germline.
Comment: This sequence change replaces tyrosine, which is neutral and polar, with histidine, which is basic and polar, at codon 280 of the CTNNA1 protein (p.Tyr280His). This variant is present in population databases (no rsID available, gnomAD 0.0009%). This variant has not been reported in the literature in individuals affected with CTNNA1-related conditions. ClinVar contains an entry for this variant (Variation ID: 654435). Invitae Evidence Modeling of protein sequence and biophysical properties (such as structural, functional, and spatial information, amino acid conservation, physicochemical variation, residue mobility, and thermodynamic stability) indicates that this missense variant is not expected to disrupt CTNNA1 protein function with a negative predictive value of 80%. In summary, the available evidence is currently insufficient to determine the role of this variant in disease. Therefore, it has been classified as a Variant of Uncertain Significance.